The following is an entry in ClinVar:

ClinVar aggregate classification (germline): Uncertain significance (1 of 4 stars; one submission).

Allele frequency attached by ClinVar (database versions not stated): gnomAD exomes below 0.00001.
gnomAD v4.1: 3 of 1,614,228 alleles (0.00019%); highest among the groups gnomAD compares: Non-Finnish European, 0.00025%; no homozygotes.

Submission:

CeGaT Center for Human Genetics Tuebingen
Classification: Uncertain significance. Last evaluated: 2024-04-01. Review status: criteria provided, single submitter. Criteria: CeGaT Center For Human Genetics Tuebingen Variant Classification Criteria Version 2. Collection method: clinical testing. Allele origin: germline. Affected: yes. Observed: 1 variant allele.
Comment: VWF: PM2:Supporting, BP4

NM_000552.5(VWF):c.6732G>A (p.Leu2244=)

Gene: VWF (von Willebrand factor; minus strand). Cytogenetic location: 12p13.31.
Variant type: single nucleotide variant.
Coding change: c.6732G>A on transcript NM_000552.5 (MANE Select); coding-DNA position 6732, G replaced by A.
Protein change: p.Leu2244=; no amino-acid change (leucine 2244 retained).
Molecular consequence: synonymous variant.
Genome position (GRCh38, 1-based): chr12:5,991,885, C>T on the plus strand (G>A on the coding strand, the complement: VWF is on the minus strand). VCF-style: chr12-5991885-C-T. GRCh37 (hg19) VCF-style: chr12-6101051-C-T.
Identifiers: ClinVar variation 3234569 (VCV003234569.20), dbSNP rs1272034955, ClinGen allele CA478099593.